The following is an entry in ClinVar:

ClinVar aggregate classification (germline): Benign/Likely benign. Review status: criteria provided, multiple submitters, no conflicts (2 of 4 stars). 15 submissions from 13 submitters: Benign (11); Likely benign (2). 2 of the submissions do not count toward it. Last evaluated 2026-02-04.

Conditions:
Usher syndrome type 1 (USH1). Also called: RETINITIS PIGMENTOSA AND CONGENITAL DEAFNESS. Identifiers: Orphanet 231169, Orphanet 886, MedGen C1568247, MONDO:0010168, OMIM 276900.
Autosomal recessive nonsyndromic hearing loss 12. Also called: DEAFNESS, AUTOSOMAL RECESSIVE 12. Identifiers: Orphanet 90636, MedGen C1832394, MONDO:0011067, OMIM 601386.
Usher syndrome type 1D (USH1D). Also called: USHER SYNDROME, TYPE ID. Identifiers: Orphanet 231169, Orphanet 886, MedGen C1832845, MONDO:0010984, OMIM 601067.

Allele frequency attached by ClinVar (database versions not stated): ESP Exome Variant Server 0.03396; 1000 Genomes Project 30x 0.03638; 1000 Genomes Project 0.03674; gnomAD 0.03814 and 0.03832; TOPMed 0.04225; ExAC 0.04955; gnomAD exomes 0.05538.
gnomAD v4.1: 73,779 of 1,613,470 alleles (4.6%); highest among the groups gnomAD compares: Admixed American, 15%; 2,222 homozygotes.

Submissions (15):

Labcorp Genetics (formerly Invitae), Labcorp
Classification: Benign. Last evaluated: 2026-02-04. Review status: criteria provided, single submitter. Criteria: Invitae Variant Classification Sherloc (09022015). Collection method: clinical testing. Allele origin: germline.

ARUP Laboratories, Molecular Genetics and Genomics, ARUP Laboratories
Classification: Benign. Last evaluated: 2023-11-22. Review status: criteria provided, single submitter. Criteria: ARUP Molecular Germline Variant Investigation Process 2024. Collection method: clinical testing. Allele origin: germline.

Women's Health and Genetics/Laboratory Corporation of America, LabCorp
Classification: Likely benign. Last evaluated: 2021-12-03. Review status: criteria provided, single submitter. Criteria: LabCorp Variant Classification Summary - May 2015. Collection method: clinical testing. Allele origin: germline.

Genome-Nilou Lab
Classification: Benign for Usher syndrome type 1D. Last evaluated: 2021-07-01. Review status: criteria provided, single submitter. Criteria: ACMG Guidelines, 2015. Collection method: clinical testing. Allele origin: germline. Affected: no.

Genome-Nilou Lab
Classification: Benign for Autosomal recessive nonsyndromic hearing loss 12. Last evaluated: 2021-07-01. Review status: criteria provided, single submitter. Criteria: ACMG Guidelines, 2015. Collection method: clinical testing. Allele origin: germline. Affected: no.

Mayo Clinic Laboratories, Mayo Clinic
Classification: Benign. Last evaluated: 2021-03-29. Review status: criteria provided, single submitter. Criteria: ACMG Guidelines, 2015. Collection method: clinical testing. Allele origin: germline. Observed: 19 variant alleles.

Illumina Laboratory Services, Illumina
Classification: Benign for Autosomal recessive nonsyndromic hearing loss 12. Last evaluated: 2018-01-13. Review status: criteria provided, single submitter. Criteria: ICSL Variant Classification Criteria 13 December 2019. Collection method: clinical testing. Allele origin: germline.
Comment: This variant was observed in the ICSL laboratory as part of a predisposition screen in an ostensibly healthy population. It had not been previously curated by ICSL or reported in the Human Gene Mutation Database (HGMD: prior to June 1st, 2018), and was therefore a candidate for classification through an automated scoring system. Utilizing variant allele frequency, disease prevalence and penetrance estimates, and inheritance mode, an automated score was calculated to assess if this variant is too frequent to cause the disease. Based on the score and internal cut-off values, a variant classified as benign is not then subjected to further curation. The score for this variant resulted in a classification of benign for this disease.

Illumina Laboratory Services, Illumina
Classification: Benign for Usher syndrome type 1D. Last evaluated: 2018-01-13. Review status: criteria provided, single submitter. Criteria: ICSL Variant Classification Criteria 13 December 2019. Collection method: clinical testing. Allele origin: germline.
Comment: the same text as in the submission from Illumina Laboratory Services, Illumina above.

Eurofins Ntd Llc (ga)
Classification: Benign. Last evaluated: 2015-07-01. Review status: criteria provided, single submitter. Criteria: EGL Classification Definitions 2015. Collection method: clinical testing. Allele origin: germline.

GeneDx
Classification: Benign. Last evaluated: 2013-01-08. Review status: criteria provided, single submitter. Criteria: GeneDx Variant Classification (06012015). Collection method: clinical testing. Allele origin: germline. Affected: yes.
Comment: This variant is considered likely benign or benign based on one or more of the following criteria: it is a conservative change, it occurs at a poorly conserved position in the protein, it is predicted to be benign by multiple in silico algorithms, and/or has population frequency not consistent with disease.

Laboratory for Molecular Medicine, Mass General Brigham Personalized Medicine
Classification: Benign. Last evaluated: 2009-06-12. Review status: criteria provided, single submitter. Criteria: LMM Criteria. Collection method: clinical testing. Allele origin: germline. Observed: 212 variant alleles.

Breakthrough Genomics
Classification: Likely benign. Review status: criteria provided, single submitter. Criteria: ACMG Guidelines, 2015. Collection method: not provided. Allele origin: germline. Inheritance: Autosomal recessive inheritance. Affected: yes.

PreventionGenetics, part of Exact Sciences
Classification: Benign. Review status: criteria provided, single submitter. Criteria: ACMG Guidelines, 2015. Collection method: clinical testing. Allele origin: germline.

Natera, Inc.
Classification: Benign for Usher syndrome type 1. Last evaluated: 2020-09-16. Review status: no assertion criteria provided. Collection method: clinical testing. Allele origin: germline. Not counted in ClinVar's aggregate classification.

NEI Ophthalmic Genomics Laboratory, National Institutes of Health
No classification provided. Review status: no classification provided. Collection method: not provided. Allele origin: not provided. Not counted in ClinVar's aggregate classification.

Literature cited by the submitters: PubMed 18429043 (cited by Laboratory for Molecular Medicine, Mass General Brigham Personalized Medicine); PubMed 17850630 (cited by Laboratory for Molecular Medicine, Mass General Brigham Personalized Medicine); PubMed 12075507 (cited by Laboratory for Molecular Medicine, Mass General Brigham Personalized Medicine).

NM_022124.6(CDH23):c.6847G>A (p.Val2283Ile)

Gene: CDH23 (cadherin related 23; plus strand). Cytogenetic location: 10q22.1.
Variant type: single nucleotide variant.
Coding change: c.6847G>A on transcript NM_022124.6 (MANE Select); coding-DNA position 6847, G replaced by A.
Protein change: p.Val2283Ile; replaces valine 2283 with isoleucine.
Molecular consequence: missense variant. On other transcripts: genic upstream transcript variant (1).
Genome position (GRCh38, 1-based): chr10:71,798,371, G>A. VCF-style: chr10-71798371-G-A. GRCh37 (hg19) VCF-style: chr10-73558128-G-A.
Other names: p.V2283I:GTC>ATC; c.-13921G>A (NM_001171936.1); c.127G>A, p.Val43Ile (NM_001171933.1, NM_001171934.1); short protein forms V2283I, V43I.
Identifiers: ClinVar variation 46019 (VCV000046019.37), dbSNP rs41281334, ClinGen allele CA137550.